The following is an entry in ClinVar:

NM_002838.5(PTPRC):c.2783A>G (p.Tyr928Cys)

Gene: PTPRC (protein tyrosine phosphatase receptor type C; plus strand). Cytogenetic location: 1q32.1.
Variant type: single nucleotide variant.
Coding change: c.2783A>G on transcript NM_002838.5 (MANE Select); coding-DNA position 2783, A replaced by G.
Protein change: p.Tyr928Cys; replaces tyrosine 928 with cysteine.
Molecular consequence: missense variant.
Genome position (GRCh38, 1-based): chr1:198,744,139, A>G. VCF-style: chr1-198744139-A-G. GRCh37 (hg19) VCF-style: chr1-198713268-A-G.
Other names: c.2300A>G, p.Tyr767Cys (NM_080921.4); c.2777A>G (NM_002838.3); short protein forms Y767C, Y928C.
Identifiers: ClinVar variation 1443313 (VCV001443313.8), dbSNP rs776327098, ClinGen allele CA1315238.

ClinVar aggregate classification (germline): Uncertain significance. Review status: criteria provided, multiple submitters, no conflicts (2 of 4 stars). 2 submissions from 2 submitters: Uncertain significance (2). Last evaluated 2024-10-07.

Conditions:
Inborn genetic diseases. Identifiers: MedGen C0950123, MeSH D030342.
Immunodeficiency 104. Also called: SCID, AUTOSOMAL RECESSIVE, T CELL-NEGATIVE, B CELL-POSITIVE, NK CELL-POSITIVE; IMMUNODEFICIENCY 104, SEVERE COMBINED; Severe Combined Immune Deficiency, Autosomal Recessive, TCell -Negative, B Cell-Positive, NK Cell-Positive, IL7R-Related; Severe combined immunodeficiency, autosomal recessive, T cell-negative, B cell-positive, NK cell-positive. Identifiers: MedGen C5676890, MONDO:0012163, OMIM 608971.

Allele frequency attached by ClinVar (database versions not stated): gnomAD exomes 0.00002 and 0.00003; ExAC 0.00003.
gnomAD v4.1: 46 of 1,605,164 alleles (0.0029%); highest among the groups gnomAD compares: Non-Finnish European, 0.0036%; no homozygotes.

Submissions (2):

Labcorp Genetics (formerly Invitae), Labcorp
Classification: Uncertain significance for Immunodeficiency 104. Last evaluated: 2024-10-07. Review status: criteria provided, single submitter. Criteria: Invitae Variant Classification Sherloc (09022015). Collection method: clinical testing. Allele origin: germline.
Comment: This sequence change replaces tyrosine, which is neutral and polar, with cysteine, which is neutral and slightly polar, at codon 928 of the PTPRC protein (p.Tyr928Cys). This variant is present in population databases (rs776327098, gnomAD 0.005%). This variant has not been reported in the literature in individuals affected with PTPRC-related conditions. ClinVar contains an entry for this variant (Variation ID: 1443313). An algorithm developed to predict the effect of missense changes on protein structure and function outputs the following: PolyPhen-2: "Benign". The cysteine amino acid residue is found in multiple mammalian species, which suggests that this missense change does not adversely affect protein function. In summary, the available evidence is currently insufficient to determine the role of this variant in disease. Therefore, it has been classified as a Variant of Uncertain Significance.

Ambry Genetics
Classification: Uncertain significance for Inborn genetic diseases. Last evaluated: 2022-06-14. Review status: criteria provided, single submitter. Criteria: Ambry Variant Classification Scheme 2023. Collection method: clinical testing. Allele origin: germline.